The following is an entry in ClinVar:

ClinVar aggregate classification (germline): Pathogenic/Likely pathogenic. Review status: no assertion criteria provided (0 of 4 stars). 2 submissions from 2 submitters: Pathogenic (1); Likely pathogenic (1). Last evaluated 2018-09-10.

Conditions:
Hearing loss, autosomal recessive. Also called: Rare autosomal recessive non-syndromic sensorineural deafness type DFNB; Autosomal recessive nonsyndromic deafness; Nonsyndromic Hearing Loss, Recessive; Deafness, autosomal recessive. Identifiers: Orphanet 90635, Orphanet 90636, MedGen C1846647, MONDO:0019588, OMIM 607197.
Deafness. Identifiers: MedGen C0011053.

gnomAD v4.1: 1 of 1,614,164 alleles (0.000062%); highest among the groups gnomAD compares: South Asian, 0.0011%; no homozygotes.

Submissions (2):

Center for Statistical Genetics, Columbia University
Classification: Pathogenic for Deafness. Last evaluated: 2018-09-10. Review status: no assertion criteria provided. Collection method: research. Allele origin: inherited. Affected: yes.
Comment: Autosomal recessive

University of Washington Center for Mendelian Genomics, University of Washington
Classification: Likely pathogenic for non-syndromic autosomal recessive hearing loss. Review status: no assertion criteria provided. Collection method: research. Allele origin: inherited. Affected: yes.

Literature cited by the submitters: PubMed 30303587 (cited by University of Washington Center for Mendelian Genomics, University of Washington).

NM_004070.4(CLCNKA):c.1985G>T (p.Gly662Val)

Genes: CLCNKA (chloride voltage-gated channel Ka; plus strand), LOC106501712 (CLCNKA recombination region; plus strand). Cytogenetic location: 1p36.13.
Variant type: single nucleotide variant.
Coding change: c.1985G>T on transcript NM_004070.4 (MANE Select); coding-DNA position 1985, G replaced by T.
Protein change: p.Gly662Val; replaces glycine 662 with valine.
Molecular consequence: missense variant.
Genome position (GRCh38, 1-based): chr1:16,033,225, G>T. VCF-style: chr1-16033225-G-T. GRCh37 (hg19) VCF-style: chr1-16359720-G-T.
Other names: c.1982G>T, p.Gly661Val (NM_001042704.2); c.1856G>T, p.Gly619Val (NM_001257139.2); short protein forms G662V, G619V, G661V.
Identifiers: ClinVar variation 560887 (VCV000560887.2), dbSNP rs1557458426, ClinGen allele CA338625227.
Genomic context (GRCh38, chr1:16,033,225, plus strand): 5'-TCCAGGCACAAAACCTCTTTAAGCTGTTGAACCTTCAGTCCCTCTTCGTGACATCGCGGG[G>T]CAGAGCTGTGGGCTGCGTGTCCTGGGTGGAGGTACCAGGGTCCCGGGGGCAGAGCAAAGC-3'
Protein context (NP_004061.3, residues 652-672): NLQSLFVTSR[Gly662Val]RAVGCVSWVE